The following is an entry in ClinVar:

ClinVar aggregate classification (germline): Uncertain significance (1 of 4 stars; one submission).

Submission:

GeneDx
Classification: Uncertain significance. Last evaluated: 2026-02-26. Review status: criteria provided, single submitter. Criteria: GeneDx Variant Classification Process June 2021. Collection method: clinical testing. Allele origin: germline.
Comment: Not observed at significant frequency in large population cohorts (gnomAD); In-frame deletion of 1 amino acid in a non-repeat region; In silico analysis suggests that this variant does not alter protein structure/function; Has not been previously published as pathogenic or benign to our knowledge

NM_000069.3(CACNA1S):c.5356CTG[1] (p.Leu1787del)

Gene: CACNA1S (calcium voltage-gated channel subunit alpha1 S; minus strand). Cytogenetic location: 1q32.1.
Variant type: Microsatellite.
Coding change: c.5356CTG[1] on transcript NM_000069.3 (MANE Select); one copy of the 3-base unit CTG starting at c.5356; the reference has two copies in a row; one copy, 3 bases deleted.
Protein change: p.Leu1787del; deletes leucine 1787.
Molecular consequence: inframe deletion.
Genome position (GRCh38, 1-based): chr1:201,040,240-201,040,242, CAG deleted on the plus strand (CTG on the coding strand, the reverse complement: CACNA1S is on the minus strand); deleting any 3 consecutive bases within chr1:201,040,240-201,040,245 gives the same sequence; the position shown is the placement nearest the transcript's 3' end. VCF-style (leftmost placement, unchanged base first): chr1-201040239-TCAG-T. GRCh37 (hg19) VCF-style: chr1-201009367-TCAG-T.
Other names: short protein forms L1787del.
Identifiers: ClinVar variation 5008160 (VCV005008160.1).